The following is an entry in ClinVar:

ClinVar aggregate classification (germline): Uncertain significance. Review status: criteria provided, multiple submitters, no conflicts (2 of 4 stars). 3 submissions from 3 submitters: Uncertain significance (3). Last evaluated 2025-10-18.

Conditions:
Lynch syndrome. Identifiers: Orphanet 144, MedGen C4552100, MONDO:0005835. Disease mechanism: loss of function.
Hereditary nonpolyposis colorectal neoplasms. Identifiers: MedGen C0009405, MeSH D003123.
Hereditary cancer-predisposing syndrome. Also called: Neoplastic Syndromes, Hereditary; Hereditary neoplastic syndrome; Tumor predisposition; Hereditary Cancer Syndrome. Identifiers: Orphanet 140162, MedGen C0027672, MeSH D009386, MONDO:0015356.

Submissions (3):

Labcorp Genetics (formerly Invitae), Labcorp
Classification: Uncertain significance for Hereditary nonpolyposis colorectal neoplasms. Last evaluated: 2025-10-18. Review status: criteria provided, single submitter. Criteria: Invitae Variant Classification Sherloc (09022015). Collection method: clinical testing. Allele origin: germline.
Comment: This sequence change replaces phenylalanine, which is neutral and non-polar, with cysteine, which is neutral and slightly polar, at codon 267 of the PMS2 protein (p.Phe267Cys). This variant is not present in population databases (gnomAD no frequency). This variant has not been reported in the literature in individuals affected with PMS2-related conditions. ClinVar contains an entry for this variant (Variation ID: 2855760). Invitae Evidence Modeling incorporating data from in vitro experimental studies (internal data) indicates that this missense variant is not expected to disrupt PMS2 function with a negative predictive value of 95%. In summary, the available evidence is currently insufficient to determine the role of this variant in disease. Therefore, it has been classified as a Variant of Uncertain Significance.

Ambry Genetics
Classification: Uncertain significance for Hereditary cancer-predisposing syndrome. Last evaluated: 2025-05-03. Review status: criteria provided, single submitter. Criteria: Ambry Variant Classification Scheme 2023. Collection method: clinical testing. Allele origin: germline.
Comment: The p.F267C variant (also known as c.800T>G), located in coding exon 7 of the PMS2 gene, results from a T to G substitution at nucleotide position 800. The phenylalanine at codon 267 is replaced by cysteine, an amino acid with highly dissimilar properties. This amino acid position is conserved. In addition, this alteration is predicted to be deleterious by in silico analysis. Based on the available evidence, the clinical significance of this variant remains unclear.

Department of Pathology and Laboratory Medicine, Sinai Health System
Classification: Uncertain significance for Lynch syndrome. Last evaluated: 2022-05-06. Review status: criteria provided, single submitter. Criteria: ACMG Guidelines, 2015. Collection method: clinical testing. Allele origin: germline. Affected: yes.

NM_000535.7(PMS2):c.800T>G (p.Phe267Cys)

Gene: PMS2 (PMS1 homolog 2, mismatch repair system component; minus strand). Cytogenetic location: 7p22.1.
Variant type: single nucleotide variant.
Coding change: c.800T>G on transcript NM_000535.7 (MANE Select); coding-DNA position 800, T replaced by G.
Protein change: p.Phe267Cys; replaces phenylalanine 267 with cysteine.
Molecular consequence: missense variant. On other transcripts: 5 prime UTR variant (2), non-coding transcript variant (1), intron variant (3).
Genome position (GRCh38, 1-based): chr7:5,997,329, A>C on the plus strand (T>G on the coding strand, the complement: PMS2 is on the minus strand). VCF-style: chr7-5997329-A-C. GRCh37 (hg19) VCF-style: chr7-6036960-A-C.
Other names: c.395T>G, p.Phe132Cys (NM_001018040.1, NM_001322003.2, NM_001322004.2 and 20 more transcripts); c.800T>G, p.Phe267Cys (NM_001322006.2, NM_001322014.2, NM_001406870.1 and 3 more transcripts); c.482T>G, p.Phe161Cys (NM_001322007.2, NM_001322008.2, NM_001406876.1 and 4 more transcripts); c.-134T>G (NM_001322011.2, NM_001322012.2); c.227T>G, p.Phe76Cys (NM_001322013.2, NM_001406909.1); c.491T>G, p.Phe164Cys (NM_001322015.2, NM_001406875.1, NM_001406877.1 and 6 more transcripts); c.986T>G, p.Phe329Cys (NM_001406866.1); c.824T>G, p.Phe275Cys (NM_001406868.1); and 7 more; short protein forms F161C, F132C, F211C, F231C, F76C, F155C, F164C, F267C.
Identifiers: ClinVar variation 2855760 (VCV002855760.5), dbSNP rs1034075819, ClinGen allele CA153239472.